The following is an entry in ClinVar:

NM_001197104.2(KMT2A):c.317T>C (p.Leu106Pro)

Gene: KMT2A (lysine methyltransferase 2A; plus strand). Cytogenetic location: 11q23.3.
Variant type: single nucleotide variant.
Coding change: c.317T>C on transcript NM_001197104.2 (MANE Select); coding-DNA position 317, T replaced by C.
Protein change: p.Leu106Pro; replaces leucine 106 with proline.
Molecular consequence: missense variant.
Genome position (GRCh38, 1-based): chr11:118,436,829, T>C. VCF-style: chr11-118436829-T-C. GRCh37 (hg19) VCF-style: chr11-118307544-T-C.
Other names: c.317T>C, p.Leu106Pro (NM_001412597.1, NM_005933.4); short protein forms L106P.
Identifiers: ClinVar variation 4856887 (VCV004856887.2).
Genomic context (GRCh38, chr11:118,436,829, plus strand): 5'-CGTCGTCCGCCTCGTCTTCGTCTTCGTCATCGTCCTCAGCCTCTTCAGGGCCGGCCCTGC[T>C]CCGGGTGGGCCCGGGCTTCGACGCGGCGCTGCAGGTCTCGGCCGCCATCGGCACCAACCT-3'
Protein context (NP_001184033.1, residues 96-116): SSSASSGPAL[Leu106Pro]RVGPGFDAAL

ClinVar aggregate classification (germline): Uncertain significance (1 of 4 stars; one submission).

Submission:

Dasa
Classification: Uncertain significance. Last evaluated: 2025-04-02. Review status: criteria provided, single submitter. Criteria: DASA Assertion Criteria. Collection method: clinical testing. Allele origin: germline.
Comment: NM_001197104.2(KMT2A):c.317T>C (p.Leu106Pro) is a missense variant that results in the substitution of leucine with proline. This variant is absent from population databases. The currently available literature and clinical evidence are not sufficient to establish a definitive association between this variant and the reported condition. Therefore, this variant is classified as a variant of uncertain significance.